The following is an entry in ClinVar:

ClinVar aggregate classification (germline): Uncertain significance (1 of 4 stars; one submission).

Allele frequency attached by ClinVar (database versions not stated): gnomAD exomes below 0.00001.
gnomAD v4.1: 3 of 1,602,344 alleles (0.00019%); highest among the groups gnomAD compares: Non-Finnish European, 0.00017%; no homozygotes.

Submission:

Labcorp Genetics (formerly Invitae), Labcorp
Classification: Uncertain significance. Last evaluated: 2022-03-09. Review status: criteria provided, single submitter. Criteria: Invitae Variant Classification Sherloc (09022015). Collection method: clinical testing. Allele origin: germline.
Comment: In summary, the available evidence is currently insufficient to determine the role of this variant in disease. Therefore, it has been classified as a Variant of Uncertain Significance. Algorithms developed to predict the effect of sequence changes on RNA splicing suggest that this variant may disrupt the consensus splice site. Algorithms developed to predict the effect of missense changes on protein structure and function are either unavailable or do not agree on the potential impact of this missense change (SIFT: "Tolerated"; PolyPhen-2: "Possibly Damaging"; Align-GVGD: "Class C0"). This variant has not been reported in the literature in individuals affected with ACER3-related conditions. This variant is not present in population databases (gnomAD no frequency). This sequence change replaces threonine, which is neutral and polar, with isoleucine, which is neutral and non-polar, at codon 177 of the ACER3 protein (p.Thr177Ile).

NM_018367.7(ACER3):c.530C>T (p.Thr177Ile)

Gene: ACER3 (alkaline ceramidase 3; plus strand). Cytogenetic location: 11q13.5.
Variant type: single nucleotide variant.
Coding change: c.530C>T on transcript NM_018367.7 (MANE Select); coding-DNA position 530, C replaced by T.
Protein change: p.Thr177Ile; replaces threonine 177 with isoleucine.
Molecular consequence: missense variant.
Genome position (GRCh38, 1-based): chr11:77,015,048, C>T. VCF-style: chr11-77015048-C-T. GRCh37 (hg19) VCF-style: chr11-76726092-C-T.
Other names: c.419C>T, p.Thr140Ile (NM_001300953.2); c.245C>T, p.Thr82Ile (NM_001300954.2, NM_001300955.2); short protein forms T140I, T177I, T82I.
Identifiers: ClinVar variation 2107995 (VCV002107995.4), dbSNP rs2496020540, ClinGen allele CA381923995.